The following is an entry in ClinVar:

ClinVar aggregate classification (germline): Uncertain significance (1 of 4 stars; one submission).

Conditions:
Hereditary spastic paraplegia 11. Also called: Spastic Paraplegia 11; Nakamura Osame syndrome; Autosomal recessive hereditary spastic paraplegia, mental impairment, and thin corpus callosum; SPASTIC PARAPLEGIA, AUTOSOMAL RECESSIVE, COMPLICATED, WITH THIN CORPUS CALLOSUM; SPASTIC PARAPLEGIA, AUTOSOMAL RECESSIVE, WITH MENTAL IMPAIRMENT AND THIN CORPUS CALLOSUM; Spastic paraplegia, mental retardation and thin corpus callosum. Identifiers: Orphanet 2822, MedGen C1858479, MONDO:0011445, OMIM 604360.

Allele frequency attached by ClinVar (database versions not stated): gnomAD exomes below 0.00001; TOPMed 0.00001.
gnomAD v4.1: 1 of 1,614,092 alleles (0.000062%); highest among the groups gnomAD compares: Non-Finnish European, 0.000085%; no homozygotes.

Submission:

Labcorp Genetics (formerly Invitae), Labcorp
Classification: Uncertain significance for Hereditary spastic paraplegia 11. Last evaluated: 2021-06-23. Review status: criteria provided, single submitter. Criteria: Invitae Variant Classification Sherloc (09022015). Collection method: clinical testing. Allele origin: germline.
Comment: In summary, the available evidence is currently insufficient to determine the role of this variant in disease. Therefore, it has been classified as a Variant of Uncertain Significance. Algorithms developed to predict the effect of missense changes on protein structure and function output the following: SIFT: "Deleterious"; PolyPhen-2: "Benign"; Align-GVGD: "Class C0". The histidine amino acid residue is found in multiple mammalian species, suggesting that this missense change does not adversely affect protein function. These predictions have not been confirmed by published functional studies and their clinical significance is uncertain. This variant has not been reported in the literature in individuals with SPG11-related conditions. This variant is not present in population databases (ExAC no frequency). This sequence change replaces aspartic acid with histidine at codon 226 of the SPG11 protein (p.Asp226His). The aspartic acid residue is moderately conserved and there is a moderate physicochemical difference between aspartic acid and histidine.

NM_025137.4(SPG11):c.676G>C (p.Asp226His)

Gene: SPG11 (SPG11 vesicle trafficking associated, spatacsin; minus strand). Cytogenetic location: 15q21.1.
Variant type: single nucleotide variant.
Coding change: c.676G>C on transcript NM_025137.4 (MANE Select); coding-DNA position 676, G replaced by C.
Protein change: p.Asp226His; replaces aspartic acid 226 with histidine.
Molecular consequence: missense variant.
Genome position (GRCh38, 1-based): chr15:44,657,288, C>G on the plus strand (G>C on the coding strand, the complement: SPG11 is on the minus strand). VCF-style: chr15-44657288-C-G. GRCh37 (hg19) VCF-style: chr15-44949486-C-G.
Other names: c.676G>C, p.Asp226His (NM_001160227.2); short protein forms D226H.
Identifiers: ClinVar variation 1464093 (VCV001464093.8), dbSNP rs971078676, ClinGen allele CA270107676.
Genomic context (GRCh38, chr15:44,657,288, plus strand): 5'-ACATGTCTTCTTTGTGAAGTGCTAAATCCACATGAGCTACATATGTACCATCCACAACAT[C>G]AAAAATGTCTTTTAGTTAGAGTTAAAAGAAAATGCCAGTTTTGTAAGTATGCCTAACTAT-3'
Protein context (NP_079413.3, residues 216-236): LSSLGWIYIF[Asp226His]VVDGTYVAHV